The following is an entry in ClinVar:

ClinVar aggregate classification (germline): Likely benign (1 of 4 stars; one submission).

Submission:

CeGaT Center for Human Genetics Tuebingen
Classification: Likely benign. Last evaluated: 2025-12-01. Review status: criteria provided, single submitter. Criteria: CeGaT Center For Human Genetics Tuebingen Variant Classification Criteria Version 2. Collection method: clinical testing. Allele origin: germline. Affected: yes. Observed: 1 variant allele.
Comment: FKBP14: PM2:Supporting, BP4, BP7

NM_017946.4(FKBP14):c.423T>C (p.His141=)

Genes: FKBP14 (FKBP prolyl isomerase 14; minus strand), FKBP14-AS1 (FKBP14 antisense RNA 1; plus strand). Cytogenetic location: 7p14.3.
Variant type: single nucleotide variant.
Coding change: c.423T>C on transcript NM_017946.4 (MANE Select); coding-DNA position 423, T replaced by C.
Protein change: p.His141=; no amino-acid change (histidine 141 retained).
Molecular consequence: synonymous variant. On other transcripts: non-coding transcript variant (2).
Genome position (GRCh38, 1-based): chr7:30,019,050, A>G on the plus strand (T>C on the coding strand, the complement: FKBP14 is on the minus strand). VCF-style: chr7-30019050-A-G. GRCh37 (hg19) VCF-style: chr7-30058666-A-G.
Identifiers: ClinVar variation 4681879 (VCV004681879.5).